The following is an entry in ClinVar:

NM_004408.4(DNM1):c.1506G>A (p.Arg502=)

Gene: DNM1 (dynamin 1; plus strand). Cytogenetic location: 9q34.11.
Variant type: single nucleotide variant.
Coding change: c.1506G>A on transcript NM_004408.4 (MANE Select); coding-DNA position 1506, G replaced by A.
Protein change: p.Arg502=; no amino-acid change (arginine 502 retained).
Molecular consequence: synonymous variant.
Genome position (GRCh38, 1-based): chr9:128,239,740, G>A. VCF-style: chr9-128239740-G-A. GRCh37 (hg19) VCF-style: chr9-131002019-G-A.
Other names: c.1506G>A, p.Arg502= (NM_001005336.3, NM_001288737.2, NM_001288738.2 and 2 more transcripts).
Identifiers: ClinVar variation 3341643 (VCV003341643.18).
Genomic context (GRCh38, chr9:128,239,740, plus strand): 5'-GCTGGGCCTCTTGAGAAGTTCTGAGACTCCTCCCCTCCCTCCCATTAGTGCTCAGCAGAG[G>A]AGCAACCAGATGAACAAGAAGAAGACTTCAGGGAACCAGGTGAGTGGGGCCCAGCACCCC-3'
Protein context (NP_004399.2, residues 492-512): DFIGFANAQQ[Arg502=]SNQMNKKKTS

ClinVar aggregate classification (germline): Likely benign. Review status: criteria provided, multiple submitters, no conflicts (2 of 4 stars). 2 submissions from 2 submitters: Likely benign (2). Last evaluated 2025-10-23.

Conditions:
Developmental and epileptic encephalopathy, 31A. Also called: Epileptic encephalopathy, early infantile, 31; Developmental and epileptic encephalopathy, 31. Identifiers: Orphanet 2382, MedGen C4225357, MONDO:0014598, OMIM 616346.

gnomAD v4.1: 10 of 1,613,592 alleles (0.00062%); highest among the groups gnomAD compares: African/African-American, 0.0013%; no homozygotes.

Submissions (2):

Labcorp Genetics (formerly Invitae), Labcorp
Classification: Likely benign for Developmental and epileptic encephalopathy, 31A. Last evaluated: 2025-10-23. Review status: criteria provided, single submitter. Criteria: Invitae Variant Classification Sherloc (09022015). Collection method: clinical testing. Allele origin: germline.

CeGaT Center for Human Genetics Tuebingen
Classification: Likely benign. Last evaluated: 2024-08-01. Review status: criteria provided, single submitter. Criteria: CeGaT Center For Human Genetics Tuebingen Variant Classification Criteria Version 2. Collection method: clinical testing. Allele origin: germline. Affected: yes. Observed: 1 variant allele.
Comment: DNM1: BP4, BP7